The following is an entry in ClinVar:

NM_014028.4(OSTM1):c.358C>T (p.Gln120Ter)

Gene: OSTM1 (osteoclastogenesis associated transmembrane protein 1; minus strand). Cytogenetic location: 6q21.
Variant type: single nucleotide variant.
Coding change: c.358C>T on transcript NM_014028.4 (MANE Select); coding-DNA position 358, C replaced by T.
Protein change: p.Gln120Ter; replaces glutamine 120 with a stop codon.
Molecular consequence: nonsense.
Genome position (GRCh38, 1-based): chr6:108,074,294, G>A on the plus strand (C>T on the coding strand, the complement: OSTM1 is on the minus strand). VCF-style: chr6-108074294-G-A. GRCh37 (hg19) VCF-style: chr6-108395498-G-A.
Other names: short protein forms Q120*.
Identifiers: ClinVar variation 2703439 (VCV002703439.3), dbSNP rs2482241440, ClinGen allele CA365330284.

ClinVar aggregate classification (germline): Pathogenic (1 of 4 stars; one submission).

Submission:

Labcorp Genetics (formerly Invitae), Labcorp
Classification: Pathogenic. Last evaluated: 2023-12-15. Review status: criteria provided, single submitter. Criteria: Invitae Variant Classification Sherloc (09022015). Collection method: clinical testing. Allele origin: germline.
Comment: This sequence change creates a premature translational stop signal (p.Gln120*) in the OSTM1 gene. It is expected to result in an absent or disrupted protein product. Loss-of-function variants in OSTM1 are known to be pathogenic (PMID: 12627228, 15108279, 16813530). This variant is not present in population databases (gnomAD no frequency). This variant has not been reported in the literature in individuals affected with OSTM1-related conditions. For these reasons, this variant has been classified as Pathogenic.

Literature cited by the submitters: PubMed 12627228; PubMed 15108279; PubMed 16813530.